The following is an entry in ClinVar:

ClinVar aggregate classification (germline): Uncertain significance. Review status: criteria provided, multiple submitters, no conflicts (2 of 4 stars). 4 submissions from 4 submitters: Uncertain significance (4). Last evaluated 2026-01-14.

Conditions:
FOXI1-related disorder. Also called: FOXI1-related condition.
Autosomal recessive nonsyndromic hearing loss 4 (DFNB4). Also called: NEUROSENSORY NONSYNDROMIC RECESSIVE DEAFNESS 4; Nonsyndromic enlarged vestibular aqueduct (NSEVA); FOXI1-Related Pendred Syndrome; KCNJ10-Related Pendred Syndrome; DEAFNESS, AUTOSOMAL RECESSIVE 4, WITH ENLARGED VESTIBULAR AQUEDUCT, DIGENIC; Deafness, autosomal recessive 4. Identifiers: Orphanet 90636, MedGen C3538946, MONDO:0010933, OMIM 600791.

Allele frequency attached by ClinVar (database versions not stated): TOPMed 0.00007; gnomAD 0.00008; ExAC 0.00011; gnomAD exomes 0.00015; ESP Exome Variant Server 0.00023.
gnomAD v4.1: 225 of 1,613,998 alleles (0.014%); highest among the groups gnomAD compares: Non-Finnish European, 0.017%; no homozygotes.

Submissions (4):

PreventionGenetics, part of Exact Sciences
Classification: Uncertain significance for FOXI1-related condition. Last evaluated: 2026-01-14. Review status: criteria provided, single submitter. Criteria: ACMG Guidelines, 2015. Collection method: clinical testing. Allele origin: germline.
Comment: The FOXI1 c.671C>T variant is predicted to result in the amino acid substitution p.Ser224Phe. To our knowledge, this variant has not been reported in the literature. This variant is reported in 0.012% of alleles in individuals of European (Non-Finnish) descent in gnomAD. At this time, the clinical significance of this variant is uncertain due to the absence of conclusive functional and genetic evidence.

Fulgent Genetics
Classification: Uncertain significance for Autosomal recessive nonsyndromic hearing loss 4. Last evaluated: 2024-03-25. Review status: criteria provided, single submitter. Criteria: ACMG Guidelines, 2015. Collection method: clinical testing. Allele origin: germline.

Blueprint Genetics
Classification: Uncertain significance. Last evaluated: 2022-05-16. Review status: criteria provided, single submitter. Criteria: ACMG Guidelines, 2015. Collection method: clinical testing. Allele origin: germline.

Labcorp Genetics (formerly Invitae), Labcorp
Classification: Uncertain significance. Last evaluated: 2022-04-08. Review status: criteria provided, single submitter. Criteria: Invitae Variant Classification Sherloc (09022015). Collection method: clinical testing. Allele origin: germline.
Comment: This sequence change replaces serine, which is neutral and polar, with phenylalanine, which is neutral and non-polar, at codon 224 of the FOXI1 protein (p.Ser224Phe). This variant is present in population databases (rs142841909, gnomAD 0.01%). This variant has not been reported in the literature in individuals affected with FOXI1-related conditions. Algorithms developed to predict the effect of missense changes on protein structure and function are either unavailable or do not agree on the potential impact of this missense change (SIFT: "Deleterious"; PolyPhen-2: "Possibly Damaging"; Align-GVGD: "Class C15"). In summary, the available evidence is currently insufficient to determine the role of this variant in disease. Therefore, it has been classified as a Variant of Uncertain Significance.

NM_012188.5(FOXI1):c.671C>T (p.Ser224Phe)

Gene: FOXI1 (forkhead box I1; plus strand). Cytogenetic location: 5q35.1.
Variant type: single nucleotide variant.
Coding change: c.671C>T on transcript NM_012188.5 (MANE Select); coding-DNA position 671, C replaced by T.
Protein change: p.Ser224Phe; replaces serine 224 with phenylalanine.
Molecular consequence: missense variant. On other transcripts: intron variant (1).
Genome position (GRCh38, 1-based): chr5:170,108,145, C>T. VCF-style: chr5-170108145-C-T. GRCh37 (hg19) VCF-style: chr5-169535149-C-T.
Other names: c.671C>T (NM_012188.4); c.575-189C>T (NM_144769.4); short protein forms S224F.
Identifiers: ClinVar variation 2415875 (VCV002415875.7), dbSNP rs142841909, ClinGen allele CA3555075.
Genomic context (GRCh38, chr5:170,108,145, plus strand): 5'-AGAAAATGTTCGACAATGGAAATTTCCGCAGGAAAAGGAAGAGAAAATCAGATGTTTCCT[C>T]TAGCACAGCCTCCTTGGCCTTAGAGAAGACAGAGAGCAGTCTCCCGGTGGACAGCCCCAA-3'
Protein context (NP_036320.2, residues 214-234): RKRKRKSDVS[Ser224Phe]STASLALEKT